The following is an entry in ClinVar:

ClinVar aggregate classification (germline): Uncertain significance (1 of 4 stars; one submission).

Submission:

Labcorp Genetics (formerly Invitae), Labcorp
Classification: Uncertain significance. Last evaluated: 2022-07-06. Review status: criteria provided, single submitter. Criteria: Invitae Variant Classification Sherloc (09022015). Collection method: clinical testing. Allele origin: germline.
Comment: In summary, the available evidence is currently insufficient to determine the role of this variant in disease. Therefore, it has been classified as a Variant of Uncertain Significance. Algorithms developed to predict the effect of missense changes on protein structure and function are either unavailable or do not agree on the potential impact of this missense change (SIFT: "Tolerated"; PolyPhen-2: "Probably Damaging"; Align-GVGD: "Class C0"). This variant has not been reported in the literature in individuals affected with ADGRV1-related conditions. This variant is not present in population databases (gnomAD no frequency). This sequence change replaces proline, which is neutral and non-polar, with threonine, which is neutral and polar, at codon 209 of the ADGRV1 protein (p.Pro209Thr).

NM_032119.4(ADGRV1):c.625C>A (p.Pro209Thr)

Gene: ADGRV1 (adhesion G protein-coupled receptor V1; plus strand). Cytogenetic location: 5q14.3.
Variant type: single nucleotide variant.
Coding change: c.625C>A on transcript NM_032119.4 (MANE Select); coding-DNA position 625, C replaced by A.
Protein change: p.Pro209Thr; replaces proline 209 with threonine.
Molecular consequence: missense variant. On other transcripts: non-coding transcript variant (1).
Genome position (GRCh38, 1-based): chr5:90,625,196, C>A. VCF-style: chr5-90625196-C-A. GRCh37 (hg19) VCF-style: chr5-89921013-C-A.
Other names: short protein forms P209T.
Identifiers: ClinVar variation 2080999 (VCV002080999.4), dbSNP rs930241382, ClinGen allele CA360364516.